The following is an entry in ClinVar:

NM_003000.3(SDHB):c.623G>A (p.Gly208Glu)

Gene: SDHB (succinate dehydrogenase complex iron sulfur subunit B; minus strand). Cytogenetic location: 1p36.13.
Variant type: single nucleotide variant.
Coding change: c.623G>A on transcript NM_003000.3 (MANE Select); coding-DNA position 623, G replaced by A.
Protein change: p.Gly208Glu; replaces glycine 208 with glutamic acid.
Molecular consequence: missense variant.
Genome position (GRCh38, 1-based): chr1:17,023,992, C>T on the plus strand (G>A on the coding strand, the complement: SDHB is on the minus strand). VCF-style: chr1-17023992-C-T. GRCh37 (hg19) VCF-style: chr1-17350487-C-T.
Other names: c.569G>A, p.Gly190Glu (NM_001407361.1); short protein forms G190E, G208E.
Identifiers: ClinVar variation 1752377 (VCV001752377.10), dbSNP rs2101516291, ClinGen allele CA338270958.
Genomic context (GRCh38, chr1:17,023,992, plus strand): 5'-TGAGTTTCAATTTCTCTTAAAGCAATTAAGGAGCACCTCACCTGCATAAGAACTGCAGGC[C>T]CCAGATATTTGTCTCCGTTCCACCAGTAGCTGGGGCAGCTGGTGCTACAGCAGGCACAGA-3'
Protein context (NP_002991.2, residues 198-218): SYWWNGDKYL[Gly208Glu]PAVLMQAYRW

ClinVar aggregate classification (germline): Pathogenic/Likely pathogenic. Review status: criteria provided, multiple submitters, no conflicts (2 of 4 stars). 3 submissions from 3 submitters: Pathogenic (2); Likely pathogenic (1). Last evaluated 2026-01-22.

Conditions:
Gastrointestinal stromal tumor. Also called: Gastrointestinal stromal tumor, somatic; Gastrointestinal stroma tumor. Identifiers: Orphanet 44890, MedGen C0238198, MeSH D046152, MONDO:0011719, OMIM 606764, HP:0100723.
Pheochromocytoma. Also called: MAX-Related Hereditary Paraganglioma-Pheochromocytoma Syndrome. Identifiers: Orphanet 29072, MedGen C0031511, MONDO:0008233, OMIM 171300, HP:0002666.
Pheochromocytoma/paraganglioma syndrome 4. Also called: CAROTID BODY TUMORS AND MULTIPLE EXTRAADRENAL PHEOCHROMOCYTOMAS; PARAGANGLIOMA, FAMILIAL MALIGNANT; PARAGANGLIOMAS, HEREDITARY EXTRAADRENAL; PHEOCHROMOCYTOMA, FAMILIAL EXTRAADRENAL; Paragangliomas 4; SDHB-Related Hereditary Paraganglioma-Pheochromocytoma Syndrome (Paragangliomas 4). Identifiers: Orphanet 29072, MedGen C1861848, MONDO:0007273, OMIM 115310.
Hereditary cancer-predisposing syndrome. Also called: Neoplastic Syndromes, Hereditary; Tumor predisposition; Hereditary Cancer Syndrome; Hereditary neoplastic syndrome. Identifiers: Orphanet 140162, MedGen C0027672, MeSH D009386, MONDO:0015356.

Submissions (3):

Ambry Genetics
Classification: Likely pathogenic for Hereditary cancer-predisposing syndrome. Last evaluated: 2026-01-22. Review status: criteria provided, single submitter. Criteria: Ambry Variant Classification Scheme 2023. Collection method: clinical testing. Allele origin: germline.
Comment: The p.G208E variant (also known as c.623G>A), located in coding exon 6 of the SDHB gene, results from a G to A substitution at nucleotide position 623. The glycine at codon 208 is replaced by glutamic acid, an amino acid with similar properties. This variant has been detected in multiple individuals with a paraganglioma and/or pheochromocytoma; loss of SDHB in a tumor was confirmed by immunohistochemistry and western blot (Benn DE et al. J Clin Endocrinol Metab, 2006 Mar;91:827-36; Ben Aim L et al. J Med Genet, 2021 Aug; Ambry internal data). Based on internal structural assessment, this alteration results in disruption of the structure, near one of the critical iron-sulfur cluster cofactors (Sun F et al. Cell, 2005 Jul;121:1043-57). This variant is considered to be rare based on population cohorts in the Genome Aggregation Database (gnomAD). This amino acid position is highly conserved in available vertebrate species. In addition, this alteration is predicted to be deleterious by in silico analysis. Based on the majority of available evidence to date, this variant is likely to be pathogenic.

Labcorp Genetics (formerly Invitae), Labcorp
Classification: Pathogenic for Gastrointestinal stromal tumor; Pheochromocytoma/paraganglioma syndrome 4; Pheochromocytoma. Last evaluated: 2024-07-10. Review status: criteria provided, single submitter. Criteria: Invitae Variant Classification Sherloc (09022015). Collection method: clinical testing. Allele origin: germline.
Comment: This sequence change replaces glycine, which is neutral and non-polar, with glutamic acid, which is acidic and polar, at codon 208 of the SDHB protein (p.Gly208Glu). This variant is not present in population databases (gnomAD no frequency). This missense change has been observed in individuals with paraganglioma-pheochromocytoma syndromes (PMID: 16317055; Invitae). ClinVar contains an entry for this variant (Variation ID: 1752377). Advanced modeling of protein sequence and biophysical properties (such as structural, functional, and spatial information, amino acid conservation, physicochemical variation, residue mobility, and thermodynamic stability) performed at Invitae indicates that this missense variant is expected to disrupt SDHB protein function with a positive predictive value of 80%. For these reasons, this variant has been classified as Pathogenic.

Baylor Genetics
Classification: Pathogenic for Gastrointestinal stromal tumor. Last evaluated: 2023-01-25. Review status: criteria provided, single submitter. Criteria: ACMG Guidelines, 2015. Collection method: clinical testing. Allele origin: unknown.

Literature cited by the submitters: PubMed 15989954 (cited by Ambry Genetics); PubMed 16317055 (cited by Ambry Genetics and Labcorp Genetics (formerly Invitae), Labcorp); PubMed 26273102 (cited by Ambry Genetics); PubMed 34452955 (cited by Ambry Genetics).